The following is an entry in ClinVar:

NM_032782.5(HAVCR2):c.331C>T (p.Arg111Trp)

Gene: HAVCR2 (hepatitis A virus cellular receptor 2; minus strand). Cytogenetic location: 5q33.3.
Variant type: single nucleotide variant.
Coding change: c.331C>T on transcript NM_032782.5 (MANE Select); coding-DNA position 331, C replaced by T.
Protein change: p.Arg111Trp; replaces arginine 111 with tryptophan.
Molecular consequence: missense variant.
Genome position (GRCh38, 1-based): chr5:157,106,690, G>A on the plus strand (C>T on the coding strand, the complement: HAVCR2 is on the minus strand). VCF-style: chr5-157106690-G-A. GRCh37 (hg19) VCF-style: chr5-156533701-G-A.
Other names: short protein forms R111W.
Identifiers: ClinVar variation 5016475 (VCV005016475.1).

ClinVar aggregate classification (germline): Likely pathogenic (1 of 4 stars; one submission).

Conditions:
Subcutaneous panniculitis-like T-cell lymphoma (SPTCL). Identifiers: Orphanet 86884, MedGen C0522624, MONDO:0019475, OMIM 618398, HP:0034403.

gnomAD v4.1: 66 of 1,614,034 alleles (0.0041%); highest among the groups gnomAD compares: Admixed American, 0.023%; no homozygotes.

Submission:

Area of Clinical and Molecular Genetics, Hospital Universitario Vall de Hebron
Classification: Likely pathogenic for Subcutaneous panniculitis-like T-cell lymphoma. Last evaluated: 2026-10-08. Review status: criteria provided, single submitter. Criteria: ACMG Guidelines, 2015. Collection method: clinical testing. Allele origin: germline. Inheritance: Autosomal recessive inheritance. Affected: yes. Observed: 1 variant allele, 1 compound heterozygote.
Comment: The p.Arg111Trp variant in HAVCR2 was identified in trans with the recurrent p.Ile97Met variant, which has been reported in multiple patients of European ancestry with SPTCL and HLH-associated SPTCL (30374066, 32005988). The p.Arg111Trp variant is extremely rare in population databases (gnomAD v4.1.1 allele frequency 0.00004) and affects the extracellular immunoglobulin-like domain of TIM-3, where the p.Ile97Met variant is also located. Importantly, functional studies by flow cytometry demonstrated that p.Arg111Trp, in combination with p.Ile97Met, resulted in complete absence of TIM-3 membrane expression in patient monocytes and activated CD4+ and CD8+ T cells. Moreover, heterozygous carriers of either variant showed reduced TIM-3 expression in monocytes, supporting a deleterious effect of both variants. Taken together, the rarity of the variant, its occurrence in trans with a recurrent disease-associated HAVCR2 variant, its location in a functionally relevant domain, and the functional evidence demonstrating impaired TIM-3 membrane expression support the classification of p.Arg111Trp as likely pathogenic.

Literature cited by the submitters: PubMed 30374066; PubMed 32005988.